The following is an entry in ClinVar:

ClinVar aggregate classification (germline): Uncertain significance. Review status: criteria provided, multiple submitters, no conflicts (2 of 4 stars). 2 submissions from 2 submitters: Uncertain significance (2). Last evaluated 2025-01-23.

Conditions:
FOCAD-related disorder. Also called: FOCAD-related condition.
Inborn genetic diseases. Identifiers: MedGen C0950123, MeSH D030342.

gnomAD v4.1: 14 of 1,611,536 alleles (0.00087%); highest among the groups gnomAD compares: African/African-American, 0.017%; no homozygotes.

Submissions (2):

Ambry Genetics
Classification: Uncertain significance for Inborn genetic diseases. Last evaluated: 2025-01-23. Review status: criteria provided, single submitter. Criteria: Ambry Variant Classification Scheme 2023. Collection method: clinical testing. Allele origin: germline.

PreventionGenetics, part of Exact Sciences
Classification: Uncertain significance for FOCAD-related condition. Last evaluated: 2024-12-01. Review status: criteria provided, single submitter. Criteria: ACMG Guidelines, 2015. Collection method: clinical testing. Allele origin: germline.
Comment: The FOCAD c.4886T>C variant is predicted to result in the amino acid substitution p.Ile1629Thr. To our knowledge, this variant has not been reported in the literature. This variant is reported in 0.024% of alleles in individuals of African descent in gnomAD. At this time, the clinical significance of this variant is uncertain due to the absence of conclusive functional and genetic evidence.

NM_001375567.1(FOCAD):c.4886T>C (p.Ile1629Thr)

Gene: FOCAD (focadhesin; plus strand). Cytogenetic location: 9p21.3.
Variant type: single nucleotide variant.
Coding change: c.4886T>C on transcript NM_001375567.1 (MANE Select); coding-DNA position 4886, T replaced by C.
Protein change: p.Ile1629Thr; replaces isoleucine 1629 with threonine.
Molecular consequence: missense variant.
Genome position (GRCh38, 1-based): chr9:20,986,445, T>C. VCF-style: chr9-20986445-T-C. GRCh37 (hg19) VCF-style: chr9-20986444-T-C.
Other names: c.4886T>C (NM_017794.4); c.4781T>C, p.Ile1594Thr (NM_001375568.1, NM_001375570.1); c.4886T>C, p.Ile1629Thr (NM_017794.5); short protein forms I1594T, I1629T.
Identifiers: ClinVar variation 3851129 (VCV003851129.2).